The following is an entry in ClinVar:

ClinVar aggregate classification (germline): Uncertain significance. Review status: criteria provided, multiple submitters, no conflicts (2 of 4 stars). 2 submissions from 2 submitters: Uncertain significance (2). Last evaluated 2021-11-16.

Allele frequency attached by ClinVar (database versions not stated): gnomAD exomes below 0.00001; TOPMed below 0.00001.
gnomAD v4.1: 2 of 1,613,128 alleles (0.00012%); highest among the groups gnomAD compares: Admixed American, 0.0017%; no homozygotes.

Submissions (2):

Blueprint Genetics
Classification: Uncertain significance. Last evaluated: 2021-11-16. Review status: criteria provided, single submitter. Criteria: ACMG Guidelines, 2015. Collection method: clinical testing. Allele origin: germline.

Labcorp Genetics (formerly Invitae), Labcorp
Classification: Uncertain significance. Last evaluated: 2019-12-11. Review status: criteria provided, single submitter. Criteria: Invitae Variant Classification Sherloc (09022015). Collection method: clinical testing. Allele origin: germline.
Comment: This sequence change results in a premature translational stop signal in the IFT27 gene (p.Glu155*). While this is not anticipated to result in nonsense mediated decay, it is expected to disrupt the last 31 amino acids of the IFT27 protein. This variant is not present in population databases (ExAC no frequency). This variant has not been reported in the literature in individuals with IFT27-related conditions. Experimental studies and prediction algorithms are not available or were not evaluated, and the functional significance of this variant is currently unknown. In summary, the available evidence is currently insufficient to determine the role of this variant in disease. Therefore, it has been classified as a Variant of Uncertain Significance.

NM_001177701.3(IFT27):c.466G>T (p.Glu156Ter)

Genes: CACNG2-DT (CACNG2 divergent transcript; plus strand), IFT27 (intraflagellar transport 27; minus strand). Cytogenetic location: 22q12.3.
Variant type: single nucleotide variant.
Coding change: c.466G>T on transcript NM_001177701.3 (MANE Select); coding-DNA position 466, G replaced by T.
Protein change: p.Glu156Ter; replaces glutamic acid 156 with a stop codon.
Molecular consequence: nonsense.
Genome position (GRCh38, 1-based): chr22:36,758,406, C>A on the plus strand (G>T on the coding strand, the complement: IFT27 is on the minus strand). VCF-style: chr22-36758406-C-A. GRCh37 (hg19) VCF-style: chr22-37154450-C-A.
Other names: c.466G>T, p.Glu156Ter (NM_001363003.2); c.463G>T, p.Glu155Ter (NM_006860.5); short protein forms E156*, E155*.
Identifiers: ClinVar variation 853558 (VCV000853558.6), dbSNP rs1472758160, ClinGen allele CA411379083.